The following is an entry in ClinVar:

NM_007272.3(CTRC):c.596C>A (p.Thr199Asn)

Gene: CTRC (chymotrypsin C; plus strand). Cytogenetic location: 1p36.21.
Variant type: single nucleotide variant.
Coding change: c.596C>A on transcript NM_007272.3 (MANE Select); coding-DNA position 596, C replaced by A.
Protein change: p.Thr199Asn; replaces threonine 199 with asparagine.
Molecular consequence: missense variant.
Genome position (GRCh38, 1-based): chr1:15,444,708, C>A. VCF-style: chr1-15444708-C-A. GRCh37 (hg19) VCF-style: chr1-15771203-C-A.
Other names: short protein forms T199N.
Identifiers: ClinVar variation 4008122 (VCV004008122.1).
Genomic context (GRCh38, chr1:15,444,708, plus strand): 5'-CCGTGGTGGATCACGCCACGTGCTCCAGGATTGACTGGTGGGGCTTCAGGGTGAAGAAAA[C>A]CATGGTGTGCGCTGGGGGCGATGGCGTCATCTCAGCCTGCAATGTGAGTGGCTAGGTTCT-3'
Protein context (NP_009203.2, residues 189-209): IDWWGFRVKK[Thr199Asn]MVCAGGDGVI

ClinVar aggregate classification (germline): Uncertain significance (1 of 4 stars; one submission).

Conditions:
Hereditary pancreatitis (PCTT). Also called: Hereditary chronic pancreatitis; PRSS1-Related Hereditary Pancreatitis. Identifiers: Orphanet 676, MedGen C0238339, MONDO:0008185, OMIM 167800.

Submission:

Ambry Genetics
Classification: Uncertain significance for Hereditary pancreatitis. Last evaluated: 2025-05-05. Review status: criteria provided, single submitter. Criteria: Ambry Variant Classification Scheme 2023. Collection method: clinical testing. Allele origin: germline.
Comment: The p.T199N variant (also known as c.596C>A), located in coding exon 6 of the CTRC gene, results from a C to A substitution at nucleotide position 596. The threonine at codon 199 is replaced by asparagine, an amino acid with similar properties. This amino acid position is conserved. In addition, this alteration is predicted to be tolerated by in silico analysis. Based on the available evidence, the clinical significance of this variant remains unclear.